The following is an entry in ClinVar:

NM_032043.3(BRIP1):c.2906-18A>C

Gene: BRIP1 (BRCA1 interacting DNA helicase 1; minus strand). Cytogenetic location: 17q23.2.
Variant type: single nucleotide variant.
Coding change: c.2906-18A>C on transcript NM_032043.3 (MANE Select); 18 bases into the intron before coding-DNA position 2906, A replaced by C.
Molecular consequence: intron variant.
Genome position (GRCh38, 1-based): chr17:61,684,158, T>G on the plus strand (A>C on the coding strand, the complement: BRIP1 is on the minus strand). VCF-style: chr17-61684158-T-G. GRCh37 (hg19) VCF-style: chr17-59761519-T-G.
Identifiers: ClinVar variation 2951124 (VCV002951124.4), dbSNP rs2144094831, ClinGen allele CA2740093841.
Genomic context (GRCh38, chr17:61,684,158, plus strand): 5'-ATTTTTTCTGCTTTCCCTGCTTCTTCCAGGAATACTGGATCATCTAAGAATACAAGAATT[T>G]AAGAGATTTAACTTTCTGCTCCTAGCTAACATAATTGCTAGGTTAAAATAATTATTTATT-3'

ClinVar aggregate classification (germline): Likely benign. Review status: criteria provided, multiple submitters, no conflicts (2 of 4 stars). 2 submissions from 2 submitters: Likely benign (2). Last evaluated 2024-09-09.

Conditions:
Familial cancer of breast. Also called: BREAST CANCER, FAMILIAL; Hereditary breast cancer; hereditary breast carcinoma. Identifiers: Orphanet 227535, MedGen C0346153, MONDO:0016419, OMIM 114480. Disease mechanism: loss of function.
Fanconi anemia complementation group J. Also called: BRIP1-Related Fanconi Anemia. Identifiers: Orphanet 84, MedGen C1836860, MONDO:0012187, OMIM 609054.

Submissions (2):

Myriad Genetics, Inc.
Classification: Likely benign for Familial cancer of breast. Last evaluated: 2024-09-09. Review status: criteria provided, single submitter. Criteria: Myriad Autosomal Dominant, Autosomal Recessive and X-Linked Classification Criteria (2023). Collection method: clinical testing. Allele origin: unknown.
Comment: This variant is considered likely benign. This variant is intronic and is not expected to impact mRNA splicing.

Labcorp Genetics (formerly Invitae), Labcorp
Classification: Likely benign for Familial cancer of breast; Fanconi anemia complementation group J. Last evaluated: 2024-04-22. Review status: criteria provided, single submitter. Criteria: Invitae Variant Classification Sherloc (09022015). Collection method: clinical testing. Allele origin: germline.